The following is an entry in ClinVar:

NM_000271.5(NPC1):c.2052C>A (p.Leu684=)

Gene: NPC1 (NPC intracellular cholesterol transporter 1; minus strand). Cytogenetic location: 18q11.2.
Variant type: single nucleotide variant.
Coding change: c.2052C>A on transcript NM_000271.5 (MANE Select); coding-DNA position 2052, C replaced by A.
Protein change: p.Leu684=; no amino-acid change (leucine 684 retained).
Molecular consequence: synonymous variant.
Genome position (GRCh38, 1-based): chr18:23,544,422, G>T on the plus strand (C>A on the coding strand, the complement: NPC1 is on the minus strand). VCF-style: chr18-23544422-G-T. GRCh37 (hg19) VCF-style: chr18-21124386-G-T.
Identifiers: ClinVar variation 4981932 (VCV004981932.1).

ClinVar aggregate classification (germline): Likely benign (1 of 4 stars; one submission).

Conditions:
NPC1-related disorder. Also called: NPC1-related condition.

Submission:

PreventionGenetics, part of Exact Sciences
Classification: Likely benign for NPC1-related condition. Last evaluated: 2024-10-10. Review status: criteria provided, single submitter. Criteria: ACMG Guidelines, 2015. Collection method: clinical testing. Allele origin: germline.
Comment: This variant is classified as likely benign based on ACMG/AMP sequence variant interpretation guidelines (Richards et al. 2015 PMID: 25741868, with internal and published modifications).